The following is an entry in ClinVar:

NM_001377299.1(NDUFS2):c.1213-20C>T

Gene: NDUFS2 (NADH:ubiquinone oxidoreductase core subunit S2; plus strand). Cytogenetic location: 1q23.3.
Variant type: single nucleotide variant.
Coding change: c.1213-20C>T on transcript NM_001377299.1 (MANE Select); 20 bases into the intron before coding-DNA position 1213, C replaced by T.
Molecular consequence: intron variant.
Genome position (GRCh38, 1-based): chr1:161,213,629, C>T. VCF-style: chr1-161213629-C-T. GRCh37 (hg19) VCF-style: chr1-161183419-C-T.
Other names: c.1213-20C>T (NM_001377300.1, NM_001377298.1, NM_001377301.1 and 3 more transcripts).
Identifiers: ClinVar variation 682383 (VCV000682383.9), dbSNP rs139327184, ClinGen allele CA1208815.

ClinVar aggregate classification (germline): Likely benign. Review status: criteria provided, multiple submitters, no conflicts (2 of 4 stars). 3 submissions from 3 submitters: Likely benign (3). Last evaluated 2024-03-21.

Conditions:
Mitochondrial complex I deficiency, nuclear type 6. Also called: Mitochondrial complex 1 deficiency, nuclear type 6. Identifiers: MedGen C4748759, MONDO:0032611, OMIM 618228.

Allele frequency attached by ClinVar (database versions not stated): TOPMed 0.00007; ESP Exome Variant Server 0.00008; gnomAD 0.00009; ExAC 0.00010; gnomAD exomes 0.00010 and 0.00024; 1000 Genomes Project 30x 0.00031; 1000 Genomes Project 0.00040.
gnomAD v4.1: 364 of 1,613,146 alleles (0.023%); highest among the groups gnomAD compares: Non-Finnish European, 0.03%; no homozygotes.

Submissions (3):

Labcorp Genetics (formerly Invitae), Labcorp
Classification: Likely benign. Last evaluated: 2024-03-21. Review status: criteria provided, single submitter. Criteria: Invitae Variant Classification Sherloc (09022015). Collection method: clinical testing. Allele origin: germline.

Genome-Nilou Lab
Classification: Likely benign for Mitochondrial complex I deficiency, nuclear type 6. Last evaluated: 2023-04-11. Review status: criteria provided, single submitter. Criteria: ACMG Guidelines, 2015. Collection method: clinical testing. Allele origin: germline. Affected: no.

GeneDx
Classification: Likely benign. Last evaluated: 2018-05-07. Review status: criteria provided, single submitter. Criteria: GeneDx Variant Classification (06012015). Collection method: clinical testing. Allele origin: germline. Affected: yes.
Comment: This variant is considered likely benign or benign based on one or more of the following criteria: it is a conservative change, it occurs at a poorly conserved position in the protein, it is predicted to be benign by multiple in silico algorithms, and/or has population frequency not consistent with disease.